The following is an entry in ClinVar:

ClinVar aggregate classification (germline): Uncertain significance (1 of 4 stars; one submission).

Conditions:
Gastrointestinal stromal tumor. Also called: Gastrointestinal stromal tumor, somatic; Gastrointestinal stroma tumor. Identifiers: Orphanet 44890, MedGen C0238198, MeSH D046152, MONDO:0011719, OMIM 606764, HP:0100723.
Pheochromocytoma/paraganglioma syndrome 3. Also called: GLOMUS TUMORS, FAMILIAL, 3; SDHC-Related Hereditary Paraganglioma-Pheochromocytoma Syndrome (Paragangliomas 3); Paragangliomas 3; SDHC-Related Hereditary Paraganglioma-Pheochromocytoma Syndrome. Identifiers: Orphanet 29072, MedGen C1854336, MONDO:0011544, OMIM 605373.

Submission:

Labcorp Genetics (formerly Invitae), Labcorp
Classification: Uncertain significance for Pheochromocytoma/paraganglioma syndrome 3; Gastrointestinal stromal tumor. Last evaluated: 2020-02-15. Review status: criteria provided, single submitter. Criteria: Invitae Variant Classification Sherloc (09022015). Collection method: clinical testing. Allele origin: germline.
Comment: Algorithms developed to predict the effect of missense changes on protein structure and function output the following: SIFT: "Tolerated"; PolyPhen-2: "Benign"; Align-GVGD: "Class C0". The glycine amino acid residue is found in multiple mammalian species, suggesting that this missense change does not adversely affect protein function. These predictions have not been confirmed by published functional studies and their clinical significance is uncertain. In summary, the available evidence is currently insufficient to determine the role of this variant in disease. Therefore, it has been classified as a Variant of Uncertain Significance. This variant is not present in population databases (ExAC no frequency). This variant has not been reported in the literature in individuals with SDHC-related conditions. This sequence change replaces serine with glycine at codon 19 of the SDHC protein (p.Ser19Gly). The serine residue is weakly conserved and there is a small physicochemical difference between serine and glycine.

NM_003001.5(SDHC):c.55A>G (p.Ser19Gly)

Gene: SDHC (succinate dehydrogenase complex subunit C; plus strand). Cytogenetic location: 1q23.3.
Variant type: single nucleotide variant.
Coding change: c.55A>G on transcript NM_003001.5 (MANE Select); coding-DNA position 55, A replaced by G.
Protein change: p.Ser19Gly; replaces serine 19 with glycine.
Molecular consequence: missense variant. On other transcripts: 5 prime UTR variant (2), non-coding transcript variant (1), intron variant (4).
Genome position (GRCh38, 1-based): chr1:161,323,648, A>G. VCF-style: chr1-161323648-A-G. GRCh37 (hg19) VCF-style: chr1-161293438-A-G.
Other names: c.55A>G, p.Ser19Gly (NM_001035511.3, NM_001035512.3, NM_001278172.3 and 2 more transcripts); c.-57A>G (NM_001407119.1); c.-175A>G (NM_001407120.1); c.21-4748A>G (NM_001407116.1, NM_001407121.1, NM_001407117.1); c.20+9223A>G (NM_001035513.3); short protein forms S19G.
Identifiers: ClinVar variation 1019489 (VCV001019489.24), dbSNP rs1670926798, ClinGen allele CA343359514.